The following is an entry in ClinVar:

ClinVar aggregate classification (germline): Uncertain significance (1 of 4 stars; one submission).

Conditions:
Neurofibromatosis, type 1 (NF1). Also called: Peripheral type neurofibromatosis; VON RECKLINGHAUSEN DISEASE; Neurofibromatosis, type I; NEUROFIBROMATOSIS, TYPE I, SOMATIC. Identifiers: Orphanet 636, MedGen C0027831, MONDO:0018975, OMIM 162200. Disease mechanism: loss of function.

Submission:

Labcorp Genetics (formerly Invitae), Labcorp
Classification: Uncertain significance for Neurofibromatosis, type 1. Last evaluated: 2025-10-19. Review status: criteria provided, single submitter. Criteria: Invitae Variant Classification Sherloc (09022015). Collection method: clinical testing. Allele origin: germline.
Comment: This sequence change replaces alanine, which is neutral and non-polar, with glycine, which is neutral and non-polar, at codon 2300 of the NF1 protein (p.Ala2300Gly). This variant is not present in population databases (gnomAD no frequency). This variant has not been reported in the literature in individuals affected with NF1-related conditions. Invitae Evidence Modeling of protein sequence and biophysical properties (such as structural, functional, and spatial information, amino acid conservation, physicochemical variation, residue mobility, and thermodynamic stability) indicates that this missense variant is not expected to disrupt NF1 protein function with a negative predictive value of 95%. In summary, the available evidence is currently insufficient to determine the role of this variant in disease. Therefore, it has been classified as a Variant of Uncertain Significance.

NM_001042492.3(NF1):c.6962C>G (p.Ala2321Gly)

Gene: NF1 (neurofibromin 1; plus strand). Cytogenetic location: 17q11.2.
Variant type: single nucleotide variant.
Coding change: c.6962C>G on transcript NM_001042492.3 (MANE Select); coding-DNA position 6962, C replaced by G.
Protein change: p.Ala2321Gly; replaces alanine 2321 with glycine.
Molecular consequence: missense variant.
Genome position (GRCh38, 1-based): chr17:31,340,545, C>G. VCF-style: chr17-31340545-C-G. GRCh37 (hg19) VCF-style: chr17-29667563-C-G.
Other names: c.6899C>G, p.Ala2300Gly (NM_000267.4); short protein forms A2321G, A2300G.
Identifiers: ClinVar variation 4691382 (VCV004691382.1).